The following is an entry in ClinVar:

ClinVar aggregate classification (germline): Uncertain significance (1 of 4 stars; one submission).

Submission:

GeneDx
Classification: Uncertain significance. Last evaluated: 2025-04-17. Review status: criteria provided, single submitter. Criteria: GeneDx Variant Classification Process June 2021. Collection method: clinical testing. Allele origin: germline. Affected: yes.
Comment: Not observed at significant frequency in large population cohorts (gnomAD); In silico analysis supports that this missense variant has a deleterious effect on protein structure/function; Has not been previously published as pathogenic or benign to our knowledge

NM_014974.3(DIP2C):c.2918C>T (p.Ser973Leu)

Gene: DIP2C (disco interacting protein 2 homolog C; minus strand). Cytogenetic location: 10p15.3.
Variant type: single nucleotide variant.
Coding change: c.2918C>T on transcript NM_014974.3 (MANE Select); coding-DNA position 2918, C replaced by T.
Protein change: p.Ser973Leu; replaces serine 973 with leucine.
Molecular consequence: missense variant.
Genome position (GRCh38, 1-based): chr10:356,493, G>A on the plus strand (C>T on the coding strand, the complement: DIP2C is on the minus strand). VCF-style: chr10-356493-G-A. GRCh37 (hg19) VCF-style: chr10-402433-G-A.
Other names: short protein forms S973L.
Identifiers: ClinVar variation 4282174 (VCV004282174.1).
Genomic context (GRCh38, chr10:356,493, plus strand): 5'-TTGAGCAGCGTGTAGAGGATGTGGTCCGGGGTGGTCTGTGCTCTCCACTGCAAGACCTCT[G>A]AGAGGAACAGGAACTGGAACAGAGCACGGGCATGAGGATCAGGCTGTGCGGTTGGATCAG-3'
Protein context (NP_055789.1, residues 963-983): NDQARKFLFL[Ser973Leu]EVLQWRAQTT